The following is an entry in ClinVar:

NM_000264.5(PTCH1):c.1347+1G>C

Gene: PTCH1 (patched 1; minus strand). Cytogenetic location: 9q22.32.
Variant type: single nucleotide variant.
Coding change: c.1347+1G>C on transcript NM_000264.5 (MANE Select); the canonical splice donor site of the intron after coding-DNA position 1347, G replaced by C.
Molecular consequence: splice donor variant.
Genome position (GRCh38, 1-based): chr9:95,478,054, C>G on the plus strand (G>C on the coding strand, the complement: PTCH1 is on the minus strand). VCF-style: chr9-95478054-C-G. GRCh37 (hg19) VCF-style: chr9-98240336-C-G.
Other names: c.1344+1G>C (NM_001083603.3); c.1149+1G>C (NM_001083602.3); c.1347+1G>C (NM_001354918.2, NM_000264.3); c.894+1G>C (NM_001083605.3, NM_001083604.3, NM_001083606.3 and 1 more transcripts).
Identifiers: ClinVar variation 810392 (VCV000810392.43), dbSNP rs1588602262, ClinGen allele CA374118696.

ClinVar aggregate classification (germline): Likely pathogenic. Review status: criteria provided, multiple submitters, no conflicts (2 of 4 stars). 2 submissions from 2 submitters: Likely pathogenic (2). Last evaluated 2025-02-20.

Conditions:
Hereditary cancer-predisposing syndrome. Also called: Tumor predisposition; Hereditary neoplastic syndrome; Neoplastic Syndromes, Hereditary; Hereditary Cancer Syndrome. Identifiers: Orphanet 140162, MedGen C0027672, MeSH D009386, MONDO:0015356.

Submissions (2):

Ambry Genetics
Classification: Likely pathogenic for Hereditary cancer-predisposing syndrome. Last evaluated: 2025-02-20. Review status: criteria provided, single submitter. Criteria: Ambry Variant Classification Scheme 2023. Collection method: clinical testing. Allele origin: germline.
Comment: The c.1347+1G>C intronic variant results from a G to C substitution one nucleotide after coding exon 9 of the PTCH1 gene. This nucleotide position is highly conserved in available vertebrate species. This variant was identified in one or more individuals with features consistent with PTCH1-related nevoid basal cell carcinoma syndrome (Ambry internal data). In silico splice site analysis predicts that this alteration will weaken the native splice donor site and may result in the creation or strengthening of a novel splice donor site; however, direct evidence is insufficient at this time (Ambry internal data). Alterations that disrupt the canonical splice site are expected to cause aberrant splicing, resulting in an abnormal protein or a transcript that is subject to nonsense-mediated mRNA decay. As such, this alteration is classified as likely pathogenic.

CeGaT Center for Human Genetics Tuebingen
Classification: Likely pathogenic. Last evaluated: 2019-01-01. Review status: criteria provided, single submitter. Criteria: CeGaT Center For Human Genetics Tuebingen Variant Classification Criteria Version 2. Collection method: clinical testing. Allele origin: germline. Affected: yes. Observed: 3 variant alleles.